The following is an entry in ClinVar:

NM_002609.4(PDGFRB):c.1505G>A (p.Arg502Gln)

Gene: PDGFRB (platelet derived growth factor receptor beta; minus strand). Cytogenetic location: 5q32.
Variant type: single nucleotide variant.
Coding change: c.1505G>A on transcript NM_002609.4 (MANE Select); coding-DNA position 1505, G replaced by A.
Protein change: p.Arg502Gln; replaces arginine 502 with glutamine.
Molecular consequence: missense variant.
Genome position (GRCh38, 1-based): chr5:150,129,831, C>T on the plus strand (G>A on the coding strand, the complement: PDGFRB is on the minus strand). VCF-style: chr5-150129831-C-T. GRCh37 (hg19) VCF-style: chr5-149509394-C-T.
Other names: p.Arg502Gln; c.1313G>A, p.Arg438Gln (NM_001355016.2); c.1022G>A, p.Arg341Gln (NM_001355017.2); short protein forms R502Q, R438Q, R341Q.
Identifiers: ClinVar variation 473403 (VCV000473403.38), dbSNP rs148974733, ClinGen allele CA3507961.

ClinVar aggregate classification (germline): Benign/Likely benign. Review status: criteria provided, multiple submitters, no conflicts (2 of 4 stars). 5 submissions from 5 submitters: Benign (2); Likely benign (1). 2 of the submissions do not count toward it. Last evaluated 2026-07-01.

Conditions:
Acroosteolysis-keloid-like lesions-premature aging syndrome. Also called: Premature aging syndrome, Penttinen type; Prematurely aged appearance, delayed bone maturation, acro-osteolysis, and brachydactyly; Progeroid syndrome, Penttinen type. Identifiers: Orphanet 363665, MedGen C1866182, MONDO:0011150, OMIM 601812.
Skeletal overgrowth-craniofacial dysmorphism-hyperelastic skin-white matter lesions syndrome. Also called: SKELETAL OVERGROWTH WITH FACIAL DYSMORPHISM, HYPERELASTIC SKIN, WHITE MATTER LESIONS, AND NEUROLOGIC DETERIORATION; Kosaki overgrowth syndrome. Identifiers: Orphanet 477831, MedGen C4225270, MONDO:0014704, OMIM 616592.
Basal ganglia calcification, idiopathic, 4 (PFBC4). Also called: Familial Idiopathic Basal Ganglia Calcification 4; PRIMARY FAMILIAL BRAIN CALCIFICATION 4, AUTOSOMAL DOMINANT. Identifiers: Orphanet 1980, MedGen C3554321, MONDO:0014004, OMIM 615007.
Infantile myofibromatosis (IMF). Also called: Congenital generalized fibromatosis. Identifiers: Orphanet 2591, MedGen C0432284, MONDO:0016824.

Allele frequency attached by ClinVar (database versions not stated): gnomAD 0.00159 and 0.00156; gnomAD exomes 0.00198 and 0.00211; TOPMed 0.00111; ExAC 0.00213; 1000 Genomes Project 0.00140; ESP Exome Variant Server 0.00138; 1000 Genomes Project 30x 0.00141.
gnomAD v4.1: 3,304 of 1,614,114 alleles (0.2%); highest among the groups gnomAD compares: Non-Finnish European, 0.23%; 5 homozygotes.

Submissions (5):

CeGaT Center for Human Genetics Tuebingen
Classification: Likely benign. Last evaluated: 2026-07-01. Review status: criteria provided, single submitter. Criteria: CeGaT Center For Human Genetics Tuebingen Variant Classification Criteria Version 2. Collection method: clinical testing. Allele origin: germline. Affected: yes. Observed: 5 variant alleles.
Comment: PDGFRB: BP4, BS1

Labcorp Genetics (formerly Invitae), Labcorp
Classification: Benign for Basal ganglia calcification, idiopathic, 4; Skeletal overgrowth-craniofacial dysmorphism-hyperelastic skin-white matter lesions syndrome; Infantile myofibromatosis; Acroosteolysis-keloid-like lesions-premature aging syndrome. Last evaluated: 2025-12-15. Review status: criteria provided, single submitter. Criteria: Invitae Variant Classification Sherloc (09022015). Collection method: clinical testing. Allele origin: germline.

Mayo Clinic Laboratories, Mayo Clinic
Classification: Benign. Last evaluated: 2025-10-07. Review status: criteria provided, single submitter. Criteria: ACMG Guidelines, 2015. Collection method: clinical testing. Allele origin: germline. Observed: 2 variant alleles.
Comment: BA1, BP4_moderate

Clinical Genetics DNA and cytogenetics Diagnostics Lab, Erasmus MC, Erasmus Medical Center
Classification: Likely benign. Review status: no assertion criteria provided. Collection method: clinical testing. Allele origin: germline. Affected: yes. Study: VKGL Data-share Consensus. Not counted in ClinVar's aggregate classification.

Genome Diagnostics Laboratory, Amsterdam University Medical Center
Classification: Likely benign. Review status: no assertion criteria provided. Collection method: clinical testing. Allele origin: germline. Affected: yes. Study: VKGL Data-share Consensus. Not counted in ClinVar's aggregate classification.